The following is an entry in ClinVar:

NM_024408.4(NOTCH2):c.1072G>T (p.Ala358Ser)

Gene: NOTCH2 (notch receptor 2; minus strand). Cytogenetic location: 1p12.
Variant type: single nucleotide variant.
Coding change: c.1072G>T on transcript NM_024408.4 (MANE Select); coding-DNA position 1072, G replaced by T.
Protein change: p.Ala358Ser; replaces alanine 358 with serine.
Molecular consequence: missense variant.
Genome position (GRCh38, 1-based): chr1:119,969,547, C>A on the plus strand (G>T on the coding strand, the complement: NOTCH2 is on the minus strand). VCF-style: chr1-119969547-C-A. GRCh37 (hg19) VCF-style: chr1-120512170-C-A.
Other names: c.1072G>T, p.Ala358Ser (NM_001200001.2); short protein forms A358S.
Identifiers: ClinVar variation 2446181 (VCV002446181.1), dbSNP rs1309523497, ClinGen allele CA341882307.
Genomic context (GRCh38, chr1:119,969,547, plus strand): 5'-TAGATCCGTCCTTCTGCTACCTACCTGCCTTCCCCTCTGGGCACATGCAAGAGAAGGAGG[C>A]CACACGGTCGATGCAGGTGGAGCCTGGAGTACAGGAGGCGAAGGCACAATCATCAATGTT-3'
Protein context (NP_077719.2, residues 348-368): TPGSTCIDRV[Ala358Ser]SFSCMCPEGK

ClinVar aggregate classification (germline): Uncertain significance (1 of 4 stars; one submission).

Allele frequency attached by ClinVar (database versions not stated): gnomAD exomes below 0.00001; gnomAD 0.00001; TOPMed 0.00001.

Submission:

GeneDx
Classification: Uncertain significance. Last evaluated: 2023-03-27. Review status: criteria provided, single submitter. Criteria: GeneDx Variant Classification Process June 2021. Collection method: clinical testing. Allele origin: germline. Affected: yes.
Comment: Not observed at significant frequency in large population cohorts (gnomAD); In silico analysis supports that this missense variant does not alter protein structure/function; Has not been previously published as pathogenic or benign to our knowledge